The following is an entry in ClinVar:

ClinVar aggregate classification (germline): Pathogenic (1 of 4 stars; one submission).

Conditions:
Severe intellectual disability-progressive spastic diplegia syndrome (NEDSDV). Also called: NEURODEVELOPMENTAL DISORDER WITH SPASTIC DIPLEGIA AND VISUAL DEFECTS; CTNNB1 Neurodevelopmental Disorder. Identifiers: Orphanet 404473, MedGen C3554449, MONDO:0014035, OMIM 615075.

Submission:

Victorian Clinical Genetics Services, Murdoch Childrens Research Institute
Classification: Pathogenic for Severe intellectual disability-progressive spastic diplegia syndrome. Last evaluated: 2025-07-13. Review status: criteria provided, single submitter. Criteria: ACMG Guidelines, 2015. Collection method: clinical testing. Allele origin: germline. Affected: yes.
Comment: This variant is classified as Pathogenic. Evidence in support of pathogenic classification: Variant is predicted to cause nonsense-mediated decay (NMD) and loss of protein (premature termination codon is located at least 54 nucleotides upstream of the final exon-exon junction); Variant is absent from gnomAD (v2, v3 and v4); Other NMD-predicted variant(s) comparable to the one identified in this case have very strong previous evidence for pathogenicity (DECIPHER); Additional information: This variant is heterozygous; This gene is associated with autosomal dominant disease; This variant has no previous evidence of pathogenicity; No published evidence of segregation with disease has been identified for this variant; No published functional evidence has been identified for this variant; Loss of function is a known mechanism of disease in this gene and is associated with neurodevelopmental disorder with spastic diplegia and visual defects (MIM#615075), and exudative vitreoretinopathy 7 (MIM#617572). However, somatic variants with a gain of function mechanism have been reported to cause cancer (OMIM).

NM_001904.4(CTNNB1):c.253dup (p.Gln85fs)

Genes: CTNNB1 (catenin beta 1; plus strand), LOC126806658 (BRD4-independent group 4 enhancer GRCh37_chr3:41265899-41267098; plus strand). Cytogenetic location: 3p22.1.
Variant type: Duplication.
Coding change: c.253dup on transcript NM_001904.4 (MANE Select); coding-DNA position 253, one base duplicated (C; older notation c.253dupC).
Protein change: p.Gln85fs; shifts the reading frame from glutamine 85.
Molecular consequence: frameshift variant.
Genome position (GRCh38, 1-based): chr3:41,224,965, C duplicated. VCF-style (leftmost placement, unchanged base first): chr3-41224964-A-AC. GRCh37 (hg19) VCF-style: chr3-41266455-A-AC.
Other names: c.253dup, p.Gln85fs (NM_001098209.2, NM_001098210.2, NM_001438871.1 and 4 more transcripts); c.232dup, p.Gln78fs (NM_001330729.2); short protein forms Q78fs, Q85fs.
Identifiers: ClinVar variation 4531895 (VCV004531895.1).